The following is an entry in ClinVar:

NM_001851.6(COL9A1):c.968G>T (p.Gly323Val)

Gene: COL9A1 (collagen type IX alpha 1 chain; minus strand). Cytogenetic location: 6q13.
Variant type: single nucleotide variant.
Coding change: c.968G>T on transcript NM_001851.6 (MANE Select); coding-DNA position 968, G replaced by T.
Protein change: p.Gly323Val; replaces glycine 323 with valine.
Molecular consequence: missense variant. On other transcripts: non-coding transcript variant (1).
Genome position (GRCh38, 1-based): chr6:70,280,819, C>A on the plus strand (G>T on the coding strand, the complement: COL9A1 is on the minus strand). VCF-style: chr6-70280819-C-A. GRCh37 (hg19) VCF-style: chr6-70990522-C-A.
Other names: c.239G>T, p.Gly80Val (NM_001377289.1, NM_001377290.1, NM_078485.4); c.968G>T, p.Gly323Val (NM_001377291.1); short protein forms G323V, G80V.
Identifiers: ClinVar variation 844054 (VCV000844054.12), dbSNP rs1005971460, ClinGen allele CA140819663.

ClinVar aggregate classification (germline): Uncertain significance. Review status: criteria provided, multiple submitters, no conflicts (2 of 4 stars). 3 submissions from 3 submitters: Uncertain significance (3). Last evaluated 2023-03-21.

Conditions:
Inborn genetic diseases. Identifiers: MedGen C0950123, MeSH D030342.

Allele frequency attached by ClinVar (database versions not stated): gnomAD exomes below 0.00001; gnomAD 0.00001; TOPMed 0.00003.
gnomAD v4.1: 3 of 1,612,564 alleles (0.00019%); highest among the groups gnomAD compares: African/African-American, 0.004%; no homozygotes.

Submissions (3):

Blueprint Genetics
Classification: Uncertain significance. Last evaluated: 2023-03-21. Review status: criteria provided, single submitter. Criteria: ACMG Guidelines, 2015. Collection method: clinical testing. Allele origin: germline.

Labcorp Genetics (formerly Invitae), Labcorp
Classification: Uncertain significance. Last evaluated: 2022-11-07. Review status: criteria provided, single submitter. Criteria: Invitae Variant Classification Sherloc (09022015). Collection method: clinical testing. Allele origin: germline.
Comment: In summary, the available evidence is currently insufficient to determine the role of this variant in disease. Therefore, it has been classified as a Variant of Uncertain Significance. Advanced modeling of protein sequence and biophysical properties (such as structural, functional, and spatial information, amino acid conservation, physicochemical variation, residue mobility, and thermodynamic stability) performed at Invitae indicates that this missense variant is expected to disrupt COL9A1 protein function. ClinVar contains an entry for this variant (Variation ID: 844054). This variant has not been reported in the literature in individuals affected with COL9A1-related conditions. This variant is not present in population databases (gnomAD no frequency). This sequence change replaces glycine, which is neutral and non-polar, with valine, which is neutral and non-polar, at codon 323 of the COL9A1 protein (p.Gly323Val).

Ambry Genetics
Classification: Uncertain significance for Inborn genetic diseases. Last evaluated: 2022-04-25. Review status: criteria provided, single submitter. Criteria: Ambry Variant Classification Scheme 2023. Collection method: clinical testing. Allele origin: germline.